The following is an entry in ClinVar:

ClinVar aggregate classification (germline): Likely benign. Review status: criteria provided, multiple submitters, no conflicts (2 of 4 stars). 2 submissions from 2 submitters: Likely benign (2). Last evaluated 2026-01-01.

Conditions:
Nemaline myopathy 2 (NEM2). Also called: Nemaline myopathy 2, autosomal recessive. Identifiers: MedGen C1850569, MONDO:0009725, OMIM 256030.

Allele frequency attached by ClinVar (database versions not stated): gnomAD 0.00001; ExAC 0.00006.
gnomAD v4.1: 18 of 1,587,952 alleles (0.0011%); highest among the groups gnomAD compares: Non-Finnish European, 0.0015%; no homozygotes.

Submissions (2):

CeGaT Center for Human Genetics Tuebingen
Classification: Likely benign. Last evaluated: 2026-01-01. Review status: criteria provided, single submitter. Criteria: CeGaT Center For Human Genetics Tuebingen Variant Classification Criteria Version 2. Collection method: clinical testing. Allele origin: germline. Affected: yes. Observed: 1 variant allele.
Comment: NEB: BP4, BP7

Labcorp Genetics (formerly Invitae), Labcorp
Classification: Likely benign for Nemaline myopathy 2. Last evaluated: 2023-08-18. Review status: criteria provided, single submitter. Criteria: Invitae Variant Classification Sherloc (09022015). Collection method: clinical testing. Allele origin: germline.

NM_001164508.2(NEB):c.22971G>A (p.Thr7657=)

Genes: NEB (nebulin; minus strand), RIF1 (replication timing regulatory factor 1; plus strand). Cytogenetic location: 2q23.3.
Variant type: single nucleotide variant.
Coding change: c.22971G>A on transcript NM_001164508.2 (MANE Select); coding-DNA position 22971, G replaced by A.
Protein change: p.Thr7657=; no amino-acid change (threonine 7657 retained).
Molecular consequence: synonymous variant.
Genome position (GRCh38, 1-based): chr2:151,514,863, C>T on the plus strand (G>A on the coding strand, the complement: NEB is on the minus strand). VCF-style: chr2-151514863-C-T. GRCh37 (hg19) VCF-style: chr2-152371377-C-T.
Other names: c.22971G>A, p.Thr7657= (NM_001164507.2); c.23076G>A, p.Thr7692= (NM_001271208.2); c.17868G>A, p.Thr5956= (NM_004543.5).
Identifiers: ClinVar variation 1133424 (VCV001133424.13), dbSNP rs750627350, ClinGen allele CA1906485.